The following is an entry in ClinVar:

NM_000701.8(ATP1A1):c.888G>A (p.Thr296=)

Gene: ATP1A1 (ATPase Na+/K+ transporting subunit alpha 1; plus strand). Cytogenetic location: 1p13.1.
Variant type: single nucleotide variant.
Coding change: c.888G>A on transcript NM_000701.8 (MANE Select); coding-DNA position 888, G replaced by A.
Protein change: p.Thr296=; no amino-acid change (threonine 296 retained).
Molecular consequence: synonymous variant.
Genome position (GRCh38, 1-based): chr1:116,389,572, G>A. VCF-style: chr1-116389572-G-A. GRCh37 (hg19) VCF-style: chr1-116932194-G-A.
Other names: c.888G>A, p.Thr296= (NM_001160233.2); c.795G>A, p.Thr265= (NM_001160234.2).
Identifiers: ClinVar variation 2880381 (VCV002880381.3), dbSNP rs1652306710, ClinGen allele CA420185849.

ClinVar aggregate classification (germline): Uncertain significance (1 of 4 stars; one submission).

Allele frequency attached by ClinVar (database versions not stated): TOPMed below 0.00001.
gnomAD v4.1: 1 of 1,614,152 alleles (0.000062%); no homozygotes.

Submission:

Labcorp Genetics (formerly Invitae), Labcorp
Classification: Uncertain significance. Last evaluated: 2024-07-14. Review status: criteria provided, single submitter. Criteria: Invitae Variant Classification Sherloc (09022015). Collection method: clinical testing. Allele origin: germline.
Comment: This sequence change affects codon 296 of the ATP1A1 mRNA. It is a 'silent' change, meaning that it does not change the encoded amino acid sequence of the ATP1A1 protein. This variant is not present in population databases (gnomAD no frequency). This variant has not been reported in the literature in individuals affected with ATP1A1-related conditions. Algorithms developed to predict the effect of sequence changes on RNA splicing suggest that this variant may create or strengthen a splice site. In summary, the available evidence is currently insufficient to determine the role of this variant in disease. Therefore, it has been classified as a Variant of Uncertain Significance.